The following is an entry in ClinVar:

ClinVar aggregate classification (germline): Uncertain significance (1 of 4 stars; one submission).

Conditions:
3-methylglutaconic aciduria, type VIIB (MGCA7B). Also called: 3-methylglutaconic aciduria, type VII, with cataracts, neurologic involvement and neutropenia; CLPB Deficiency; 3-methylglutaconic aciduria with cataracts, neurologic involvement and neutropenia. Identifiers: Orphanet 445038, MedGen C5676893, MONDO:0014561, OMIM 616271.

gnomAD v4.1: 2 of 1,611,162 alleles (0.00012%); highest among the groups gnomAD compares: Admixed American, 0.0033%; no homozygotes.

Submission:

Labcorp Genetics (formerly Invitae), Labcorp
Classification: Uncertain significance for 3-methylglutaconic aciduria, type VIIB. Last evaluated: 2019-09-20. Review status: criteria provided, single submitter. Criteria: Invitae Variant Classification Sherloc (09022015). Collection method: clinical testing. Allele origin: germline.
Comment: This sequence change replaces serine with arginine at codon 128 of the CLPB protein (p.Ser128Arg). The serine residue is weakly conserved and there is a moderate physicochemical difference between serine and arginine. This variant is not present in population databases (ExAC no frequency). This variant has not been reported in the literature in individuals with CLPB-related conditions. Algorithms developed to predict the effect of missense changes on protein structure and function (SIFT, PolyPhen-2, Align-GVGD) all suggest that this variant is likely to be tolerated, but these predictions have not been confirmed by published functional studies and their clinical significance is uncertain. In summary, the available evidence is currently insufficient to determine the role of this variant in disease. Therefore, it has been classified as a Variant of Uncertain Significance.

NM_001258392.3(CLPB):c.384C>A (p.Ser128Arg)

Gene: CLPB (ClpB family mitochondrial disaggregase; minus strand). Cytogenetic location: 11q13.4.
Variant type: single nucleotide variant.
Coding change: c.384C>A on transcript NM_001258392.3 (MANE Select); coding-DNA position 384, C replaced by A.
Protein change: p.Ser128Arg; replaces serine 128 with arginine.
Molecular consequence: missense variant.
Genome position (GRCh38, 1-based): chr11:72,434,091, G>T on the plus strand (C>A on the coding strand, the complement: CLPB is on the minus strand). VCF-style: chr11-72434091-G-T. GRCh37 (hg19) VCF-style: chr11-72145135-G-T.
Other names: c.384C>A, p.Ser128Arg (NM_001258393.3, NM_030813.6); c.142C>A, p.Gln48Lys (NM_001258394.3); short protein forms S128R, Q48K.
Identifiers: ClinVar variation 935701 (VCV000935701.10), dbSNP rs745934487, ClinGen allele CA381962800.